The following is an entry in ClinVar:

NM_000051.4(ATM):c.2694A>T (p.Leu898Phe)

Gene: ATM (ATM serine/threonine kinase; plus strand). Cytogenetic location: 11q22.3.
Variant type: single nucleotide variant.
Coding change: c.2694A>T on transcript NM_000051.4 (MANE Select); coding-DNA position 2694, A replaced by T.
Protein change: p.Leu898Phe; replaces leucine 898 with phenylalanine.
Molecular consequence: missense variant.
Genome position (GRCh38, 1-based): chr11:108,268,465, A>T. VCF-style: chr11-108268465-A-T. GRCh37 (hg19) VCF-style: chr11-108139192-A-T.
Other names: c.2694A>T, p.Leu898Phe (NM_001351834.2); short protein forms L898F.
Identifiers: ClinVar variation 216195 (VCV000216195.14), dbSNP rs774395596, ClinGen allele CA338049.

ClinVar aggregate classification (germline): Uncertain significance. Review status: criteria provided, multiple submitters, no conflicts (2 of 4 stars). 2 submissions from 2 submitters: Uncertain significance (2). Last evaluated 2025-04-21.

Conditions:
Hereditary cancer-predisposing syndrome. Also called: Tumor predisposition; Hereditary Cancer Syndrome; Neoplastic Syndromes, Hereditary; Hereditary neoplastic syndrome. Identifiers: Orphanet 140162, MedGen C0027672, MeSH D009386, MONDO:0015356.
Ataxia-telangiectasia syndrome (AT). Also called: Cerebello-oculocutaneous telangiectasia; Immunodeficiency with ataxia telangiectasia; Ataxia telangiectasia (A-T); LOUIS-BAR SYNDROME; ATAXIA-TELANGIECTASIA, COMPLEMENTATION GROUP A; ATAXIA-TELANGIECTASIA, FRESNO VARIANT. Identifiers: Orphanet 100, MedGen C0004135, MONDO:0008840, OMIM 208900.

Submissions (2):

Ambry Genetics
Classification: Uncertain significance for Hereditary cancer-predisposing syndrome. Last evaluated: 2025-04-21. Review status: criteria provided, single submitter. Criteria: Ambry Variant Classification Scheme 2023. Collection method: clinical testing. Allele origin: germline.
Comment: The p.L898F variant (also known as c.2694A>T), located in coding exon 17 of the ATM gene, results from an A to T substitution at nucleotide position 2694. The leucine at codon 898 is replaced by phenylalanine, an amino acid with highly similar properties. This variant was not reported in population based cohorts in the following databases: Database of Single Nucleotide Polymorphisms (dbSNP), NHLBI Exome Sequencing Project (ESP), and 1000 Genomes Project. In the ESP, this variant was not observed in 6499 samples (12998 alleles) with coverage at this position. To date, this alteration has been detected with an allele frequency of approximately 0.001% (greater than 180000 alleles tested) in our clinical cohort. This amino acid position is highly conserved in available vertebrate species. In addition, the in silico prediction for this alteration is inconclusive. Since supporting evidence is limited at this time, the clinical significance of this alteration remains unclear.

Labcorp Genetics (formerly Invitae), Labcorp
Classification: Uncertain significance for Ataxia-telangiectasia syndrome. Last evaluated: 2023-02-13. Review status: criteria provided, single submitter. Criteria: Invitae Variant Classification Sherloc (09022015). Collection method: clinical testing. Allele origin: germline.
Comment: This sequence change replaces leucine, which is neutral and non-polar, with phenylalanine, which is neutral and non-polar, at codon 898 of the ATM protein (p.Leu898Phe). This variant is not present in population databases (gnomAD no frequency). This variant has not been reported in the literature in individuals affected with ATM-related conditions. ClinVar contains an entry for this variant (Variation ID: 216195). Algorithms developed to predict the effect of missense changes on protein structure and function are either unavailable or do not agree on the potential impact of this missense change (SIFT: "Deleterious"; PolyPhen-2: "Probably Damaging"; Align-GVGD: "Class C0"). In summary, the available evidence is currently insufficient to determine the role of this variant in disease. Therefore, it has been classified as a Variant of Uncertain Significance.